The following is an entry in ClinVar:

ClinVar aggregate classification (germline): Benign. Review status: criteria provided, multiple submitters, no conflicts (2 of 4 stars). 10 submissions from 9 submitters: Benign (8). 2 of the submissions do not count toward it. Last evaluated 2026-02-04.

Conditions:
Brown-Vialetto-van Laere syndrome 1. Also called: BULBAR PALSY, PROGRESSIVE, WITH SENSORINEURAL DEAFNESS; PONTOBULBAR PALSY WITH DEAFNESS; BROWN-VIALETTO-VAN LAERE SYNDROME 1, MILD. Identifiers: Orphanet 572550, Orphanet 97229, MedGen C0796274, MONDO:0024537, OMIM 211530.
Progressive bulbar palsy of childhood. Also called: FAZIO-LONDE DISEASE; Childhood Progressive Bulbar Palsy. Identifiers: MedGen C0393540, MONDO:0100428, OMIM 211500.

Allele frequency attached by ClinVar (database versions not stated): ESP Exome Variant Server 0.25565; gnomAD exomes 0.30691 and 0.32070; ExAC 0.35781; 1000 Genomes Project 30x 0.25609; 1000 Genomes Project 0.25639; TOPMed 0.26045; gnomAD 0.26517 and 0.26951.
gnomAD v4.1: 487,104 of 1,609,184 alleles (30%); highest among the groups gnomAD compares: Admixed American, 40%; 76,036 homozygotes.

Submissions (10):

Labcorp Genetics (formerly Invitae), Labcorp
Classification: Benign for Brown-Vialetto-van Laere syndrome 1. Last evaluated: 2026-02-04. Review status: criteria provided, single submitter. Criteria: Invitae Variant Classification Sherloc (09022015). Collection method: clinical testing. Allele origin: germline.

Mayo Clinic Laboratories, Mayo Clinic
Classification: Benign. Last evaluated: 2022-03-24. Review status: criteria provided, single submitter. Criteria: ACMG Guidelines, 2015. Collection method: clinical testing. Allele origin: germline. Observed: 757 variant alleles.

Genome-Nilou Lab
Classification: Benign for Progressive bulbar palsy of childhood. Last evaluated: 2021-07-14. Review status: criteria provided, single submitter. Criteria: ACMG Guidelines, 2015. Collection method: clinical testing. Allele origin: germline. Affected: no.

Genome-Nilou Lab
Classification: Benign for Brown-Vialetto-van Laere syndrome 1. Last evaluated: 2021-07-14. Review status: criteria provided, single submitter. Criteria: ACMG Guidelines, 2015. Collection method: clinical testing. Allele origin: germline. Affected: no.

GeneDx
Classification: Benign. Last evaluated: 2018-07-17. Review status: criteria provided, single submitter. Criteria: GeneDx Variant Classification Process June 2021. Collection method: clinical testing. Allele origin: germline. Affected: yes.

Laboratory for Molecular Medicine, Mass General Brigham Personalized Medicine
Classification: Benign. Last evaluated: 2017-08-23. Review status: criteria provided, single submitter. Criteria: LMM Criteria. Collection method: clinical testing. Allele origin: germline. Observed: 151 variant alleles.
Comment: p.Ala107Ala in exon 2 of SLC52A3: This variant is not expected to have clinical significance because it does not alter an amino acid residue, is not located wit hin the splice consensus sequence, and has been identified in 52.10% (4717/9054) of Latino chromosomes by the Exome Aggregation Consortium (ExAC; dbSNP rs3746808).

Breakthrough Genomics
Classification: Benign. Review status: criteria provided, single submitter. Criteria: ACMG Guidelines, 2015. Collection method: not provided. Allele origin: germline. Inheritance: Autosomal recessive inheritance. Affected: yes.

PreventionGenetics, part of Exact Sciences
Classification: Benign. Review status: criteria provided, single submitter. Criteria: ACMG Guidelines, 2015. Collection method: clinical testing. Allele origin: germline.

Clinical Genetics, Academic Medical Center
Classification: Benign. Review status: no assertion criteria provided. Collection method: clinical testing. Allele origin: germline. Affected: yes. Study: VKGL Data-share Consensus. Not counted in ClinVar's aggregate classification.

Diagnostic Laboratory, Department of Genetics, University Medical Center Groningen
Classification: Benign. Review status: no assertion criteria provided. Collection method: clinical testing. Allele origin: germline. Affected: yes. Study: VKGL Data-share Consensus. Not counted in ClinVar's aggregate classification.

NM_033409.4(SLC52A3):c.321C>T (p.Ala107=)

Gene: SLC52A3 (solute carrier family 52 member 3; minus strand). Cytogenetic location: 20p13.
Variant type: single nucleotide variant.
Coding change: c.321C>T on transcript NM_033409.4 (MANE Select); coding-DNA position 321, C replaced by T.
Protein change: p.Ala107=; no amino-acid change (alanine 107 retained).
Molecular consequence: synonymous variant.
Genome position (GRCh38, 1-based): chr20:765,454, G>A on the plus strand (C>T on the coding strand, the complement: SLC52A3 is on the minus strand). VCF-style: chr20-765454-G-A. GRCh37 (hg19) VCF-style: chr20-746098-G-A.
Other names: p.Ala107=; c.321C>T, p.Ala107= (NM_001370085.1, NM_001370086.1).
Identifiers: ClinVar variation 262233 (VCV000262233.23), dbSNP rs3746808, ClinGen allele CA9724798.